The following is an entry in ClinVar:

NM_001142800.2(EYS):c.6111C>A (p.Cys2037Ter)

Gene: EYS (EGF-like photoreceptor maintenance factor; minus strand). Cytogenetic location: 6q12.
Variant type: single nucleotide variant.
Coding change: c.6111C>A on transcript NM_001142800.2 (MANE Select); coding-DNA position 6111, C replaced by A.
Protein change: p.Cys2037Ter; replaces cysteine 2037 with a stop codon.
Molecular consequence: nonsense.
Genome position (GRCh38, 1-based): chr6:64,307,050, G>T on the plus strand (C>A on the coding strand, the complement: EYS is on the minus strand). VCF-style: chr6-64307050-G-T. GRCh37 (hg19) VCF-style: chr6-65016943-G-T.
Other names: c.6111C>A, p.Cys2037Ter (NM_001292009.2); short protein forms C2037*.
Identifiers: ClinVar variation 5013943 (VCV005013943.1).

ClinVar aggregate classification (germline): Pathogenic (1 of 4 stars; one submission).

Conditions:
Retinitis pigmentosa 25 (RP25). Identifiers: Orphanet 791, MedGen C1864446, MONDO:0011272, OMIM 602772.

Submission:

Myriad Genetics, Inc.
Classification: Pathogenic for Retinitis pigmentosa 25. Last evaluated: 2024-05-14. Review status: criteria provided, single submitter. Criteria: Myriad Autosomal Dominant, Autosomal Recessive and X-Linked Classification Criteria (2023). Collection method: clinical testing. Allele origin: unknown.
Comment: NM_001142800.1(EYS):c.6111C>A(C2037*) is expected to be pathogenic in the context of retinitis pigmentosa, EYS-related. This variant is predicted to lead to an abnormal or absent protein product due to the creation of a premature termination codon in EYS, a gene where loss-of-function variants are known to be pathogenic. Please note: this variant was assessed in the context of healthy population screening.